The following is an entry in ClinVar:

NM_003872.3(NRP2):c.1593C>T (p.Asn531=)

Gene: NRP2 (neuropilin 2; plus strand). Cytogenetic location: 2q33.3.
Variant type: single nucleotide variant.
Coding change: c.1593C>T on transcript NM_003872.3 (MANE Select); coding-DNA position 1593, C replaced by T.
Protein change: p.Asn531=; no amino-acid change (asparagine 531 retained).
Molecular consequence: synonymous variant.
Genome position (GRCh38, 1-based): chr2:205,743,504, C>T. VCF-style: chr2-205743504-C-T. GRCh37 (hg19) VCF-style: chr2-206608228-C-T.
Other names: c.1593C>T, p.Asn531= (NM_018534.4, NM_201264.2, NM_201266.2 and 2 more transcripts).
Identifiers: ClinVar variation 3047554 (VCV003047554.2), dbSNP rs373025184, ClinGen allele CA2069129.

ClinVar aggregate classification (germline): Likely benign (0 of 4 stars; one submission).

Conditions:
NRP2-related disorder. Also called: NRP2-related condition.

Allele frequency attached by ClinVar (database versions not stated): ExAC 0.00003; ESP Exome Variant Server 0.00008; gnomAD 0.00015; 1000 Genomes Project 30x 0.00016; TOPMed 0.00018; 1000 Genomes Project 0.00020.
gnomAD v4.1: 135 of 1,614,200 alleles (0.0084%); highest among the groups gnomAD compares: African/African-American, 0.057%; no homozygotes.

Submission:

PreventionGenetics, part of Exact Sciences
Classification: Likely benign for NRP2-related condition. Last evaluated: 2022-05-26. Review status: no assertion criteria provided. Collection method: clinical testing. Allele origin: germline.
Comment: This variant is classified as likely benign based on ACMG/AMP sequence variant interpretation guidelines (Richards et al. 2015 PMID: 25741868, with internal and published modifications).